The following is an entry in ClinVar:

NM_007272.3(CTRC):c.793-18T>A

Gene: CTRC (chymotrypsin C; plus strand). Cytogenetic location: 1p36.21.
Variant type: single nucleotide variant.
Coding change: c.793-18T>A on transcript NM_007272.3 (MANE Select); 18 bases into the intron before coding-DNA position 793, T replaced by A.
Molecular consequence: intron variant.
Genome position (GRCh38, 1-based): chr1:15,446,557, T>A. VCF-style: chr1-15446557-T-A. GRCh37 (hg19) VCF-style: chr1-15773052-T-A.
Identifiers: ClinVar variation 1519632 (VCV001519632.8), dbSNP rs1708224385, ClinGen allele CA2573130694.

ClinVar aggregate classification (germline): Uncertain significance (1 of 4 stars; one submission).

Conditions:
Hereditary pancreatitis (PCTT). Also called: Hereditary chronic pancreatitis; PRSS1-Related Hereditary Pancreatitis. Identifiers: Orphanet 676, MedGen C0238339, MONDO:0008185, OMIM 167800.

Submission:

Labcorp Genetics (formerly Invitae), Labcorp
Classification: Uncertain significance for Hereditary pancreatitis. Last evaluated: 2021-03-25. Review status: criteria provided, single submitter. Criteria: Invitae Variant Classification Sherloc (09022015). Collection method: clinical testing. Allele origin: germline.
Comment: Algorithms developed to predict the effect of sequence changes on RNA splicing suggest that this variant may create or strengthen a splice site, but this prediction has not been confirmed by published transcriptional studies. In summary, the available evidence is currently insufficient to determine the role of this variant in disease. Therefore, it has been classified as a Variant of Uncertain Significance. This sequence change falls in intron 7 of the CTRC gene. It does not directly change the encoded amino acid sequence of the CTRC protein. This variant is not present in population databases (ExAC no frequency). This variant has not been reported in the literature in individuals with CTRC-related conditions.